The following is an entry in ClinVar:

NM_005236.3(ERCC4):c.736T>A (p.Ser246Thr)

Gene: ERCC4 (ERCC excision repair 4, endonuclease catalytic subunit; plus strand). Cytogenetic location: 16p13.12.
Variant type: single nucleotide variant.
Coding change: c.736T>A on transcript NM_005236.3 (MANE Select); coding-DNA position 736, T replaced by A.
Protein change: p.Ser246Thr; replaces serine 246 with threonine.
Molecular consequence: missense variant.
Genome position (GRCh38, 1-based): chr16:13,928,179, T>A. VCF-style: chr16-13928179-T-A. GRCh37 (hg19) VCF-style: chr16-14022036-T-A.
Other names: short protein forms S246T.
Identifiers: ClinVar variation 2173629 (VCV002173629.1), dbSNP rs749352103, ClinGen allele CA7910258.

ClinVar aggregate classification (germline): Uncertain significance (1 of 4 stars; one submission).

Conditions:
Xeroderma pigmentosum, group F (XPF). Also called: XERODERMA PIGMENTOSUM VI; XP, GROUP F; XERODERMA PIGMENTOSUM, COMPLEMENTATION GROUP F; ERCC4-Related Xeroderma Pigmentosum; XERODERMA PIGMENTOSUM, TYPE F; Xeroderma pigmentosum, type 6. Identifiers: MedGen C0268140, MONDO:0010215, OMIM 278760.
Cockayne syndrome. Identifiers: Orphanet 191, MedGen C0009207, MONDO:0016006.
Fanconi anemia complementation group Q. Identifiers: Orphanet 84, MedGen C3808988, MONDO:0014108, OMIM 615272.

Allele frequency attached by ClinVar (database versions not stated): gnomAD exomes below 0.00001; ExAC 0.00001; gnomAD 0.00001.

Submission:

Labcorp Genetics (formerly Invitae), Labcorp
Classification: Uncertain significance for Fanconi anemia complementation group Q; Xeroderma pigmentosum, group F; Cockayne syndrome. Last evaluated: 2022-01-06. Review status: criteria provided, single submitter. Criteria: Invitae Variant Classification Sherloc (09022015). Collection method: clinical testing. Allele origin: germline.
Comment: This sequence change replaces serine, which is neutral and polar, with threonine, which is neutral and polar, at codon 246 of the ERCC4 protein (p.Ser246Thr). This variant is present in population databases (rs749352103, gnomAD 0.002%). This variant has not been reported in the literature in individuals affected with ERCC4-related conditions. Algorithms developed to predict the effect of missense changes on protein structure and function output the following: SIFT: "Tolerated"; PolyPhen-2: "Benign"; Align-GVGD: "Class C0". The threonine amino acid residue is found in multiple mammalian species, which suggests that this missense change does not adversely affect protein function. In summary, the available evidence is currently insufficient to determine the role of this variant in disease. Therefore, it has been classified as a Variant of Uncertain Significance.